The following is an entry in ClinVar:

NM_004329.3(BMPR1A):c.1579T>A (p.Ser527Thr)

Gene: BMPR1A (bone morphogenetic protein receptor type 1A; plus strand). Cytogenetic location: 10q23.2.
Variant type: single nucleotide variant.
Coding change: c.1579T>A on transcript NM_004329.3 (MANE Select); coding-DNA position 1579, T replaced by A.
Protein change: p.Ser527Thr; replaces serine 527 with threonine.
Molecular consequence: missense variant.
Genome position (GRCh38, 1-based): chr10:86,923,699, T>A. VCF-style: chr10-86923699-T-A. GRCh37 (hg19) VCF-style: chr10-88683456-T-A.
Other names: short protein forms S527T.
Identifiers: ClinVar variation 646800 (VCV000646800.12), dbSNP rs1589293695, ClinGen allele CA377464028.
Genomic context (GRCh38, chr10:86,923,699, plus strand): 5'-AATCCAGCCTCCAGACTCACAGCATTGAGAATTAAGAAGACGCTTGCCAAGATGGTTGAA[T>A]CCCAAGATGTAAAAATCTGATGGTTAAACCATCGGAGGAGAAACTCTAGACTGCAAGAAC-3'
Protein context (NP_004320.2, residues 517-532): IKKTLAKMVE[Ser527Thr]QDVKI

ClinVar aggregate classification (germline): Uncertain significance. Review status: criteria provided, multiple submitters, no conflicts (2 of 4 stars). 2 submissions from 2 submitters: Uncertain significance (2). Last evaluated 2023-03-17.

Conditions:
Juvenile polyposis syndrome (JPS). Identifiers: Orphanet 2929, MedGen C0345893, MONDO:0017380, OMIM 174900.
Hereditary cancer-predisposing syndrome. Also called: Hereditary Cancer Syndrome; Tumor predisposition; Neoplastic Syndromes, Hereditary; Hereditary neoplastic syndrome. Identifiers: Orphanet 140162, MedGen C0027672, MeSH D009386, MONDO:0015356.

Submissions (2):

Ambry Genetics
Classification: Uncertain significance for Hereditary cancer-predisposing syndrome. Last evaluated: 2023-03-17. Review status: criteria provided, single submitter. Criteria: Ambry Variant Classification Scheme 2023. Collection method: clinical testing. Allele origin: germline.
Comment: The p.S527T variant (also known as c.1579T>A), located in coding exon 11 of the BMPR1A gene, results from a T to A substitution at nucleotide position 1579. The serine at codon 527 is replaced by threonine, an amino acid with similar properties. This amino acid position is highly conserved in available vertebrate species. In addition, the in silico prediction for this alteration is inconclusive. Since supporting evidence is limited at this time, the clinical significance of this alteration remains unclear.

Labcorp Genetics (formerly Invitae), Labcorp
Classification: Uncertain significance for Juvenile polyposis syndrome. Last evaluated: 2018-08-07. Review status: criteria provided, single submitter. Criteria: Invitae Variant Classification Sherloc (09022015). Collection method: clinical testing. Allele origin: germline.
Comment: This variant has not been reported in the literature in individuals with BMPR1A-related disease. In summary, the available evidence is currently insufficient to determine the role of this variant in disease. Therefore, it has been classified as a Variant of Uncertain Significance. Algorithms developed to predict the effect of missense changes on protein structure and function are either unavailable or do not agree on the potential impact of this missense change (SIFT: "Tolerated"; PolyPhen-2: "Possibly Damaging"; Align-GVGD: "Class C0"). This variant is not present in population databases (ExAC no frequency). This sequence change replaces serine with threonine at codon 527 of the BMPR1A protein (p.Ser527Thr). The serine residue is highly conserved and there is a small physicochemical difference between serine and threonine.